The following is an entry in ClinVar:

ClinVar aggregate classification (germline): Uncertain significance (1 of 4 stars; one submission).

gnomAD v4.1: 1 of 1,613,318 alleles (0.000062%); highest among the groups gnomAD compares: Non-Finnish European, 0.000085%; no homozygotes.

Submission:

Ambry Genetics
Classification: Uncertain significance. Last evaluated: 2025-09-17. Review status: criteria provided, single submitter. Criteria: Ambry Variant Classification Scheme 2023. Collection method: clinical testing. Allele origin: germline.
Comment: The p.A222V variant (also known as c.665C>T), located in coding exon 3 of the PALLD gene, results from a C to T substitution at nucleotide position 665. The alanine at codon 222 is replaced by valine, an amino acid with similar properties. This amino acid position is conserved. In addition, the in silico prediction for this alteration is inconclusive. Based on the available evidence, the clinical significance of this variant remains unclear.

NM_001166108.2(PALLD):c.2126C>T (p.Ala709Val)

Genes: CBR4 (carbonyl reductase 4; minus strand), PALLD (palladin, cytoskeletal associated protein; plus strand). Cytogenetic location: 4q32.3.
Variant type: single nucleotide variant.
Coding change: c.2126C>T on transcript NM_001166108.2 (MANE Select); coding-DNA position 2126, C replaced by T.
Protein change: p.Ala709Val; replaces alanine 709 with valine.
Molecular consequence: missense variant.
Genome position (GRCh38, 1-based): chr4:168,894,604, C>T. VCF-style: chr4-168894604-C-T. GRCh37 (hg19) VCF-style: chr4-169815755-C-T.
Other names: c.980C>T, p.Ala327Val (NM_001166109.2); c.665C>T, p.Ala222Val (NM_001166110.2); c.5C>T, p.Ala2Val (NM_001367567.1, NM_001367568.1, NM_001367569.1 and 1 more transcripts); c.2126C>T, p.Ala709Val (NM_016081.4); short protein forms A709V, A222V, A2V, A327V.
Identifiers: ClinVar variation 4564139 (VCV004564139.1).